The following is an entry in ClinVar:

ClinVar aggregate classification (germline): Uncertain significance (1 of 4 stars; one submission).

Submission:

Labcorp Genetics (formerly Invitae), Labcorp
Classification: Uncertain significance. Last evaluated: 2024-10-29. Review status: criteria provided, single submitter. Criteria: Invitae Variant Classification Sherloc (09022015). Collection method: clinical testing. Allele origin: germline.
Comment: This sequence change replaces asparagine, which is neutral and polar, with lysine, which is basic and polar, at codon 4395 of the USH2A protein (p.Asn4395Lys). This variant is not present in population databases (gnomAD no frequency). This variant has not been reported in the literature in individuals affected with USH2A-related conditions. ClinVar contains an entry for this variant (Variation ID: 2105875). Invitae Evidence Modeling of protein sequence and biophysical properties (such as structural, functional, and spatial information, amino acid conservation, physicochemical variation, residue mobility, and thermodynamic stability) indicates that this missense variant is not expected to disrupt USH2A protein function with a negative predictive value of 95%. In summary, the available evidence is currently insufficient to determine the role of this variant in disease. Therefore, it has been classified as a Variant of Uncertain Significance.

NM_206933.4(USH2A):c.13185T>A (p.Asn4395Lys)

Gene: USH2A (usherin; minus strand). Cytogenetic location: 1q41.
Variant type: single nucleotide variant.
Coding change: c.13185T>A on transcript NM_206933.4 (MANE Select); coding-DNA position 13185, T replaced by A.
Protein change: p.Asn4395Lys; replaces asparagine 4395 with lysine.
Molecular consequence: missense variant.
Genome position (GRCh38, 1-based): chr1:215,674,726, A>T on the plus strand (T>A on the coding strand, the complement: USH2A is on the minus strand). VCF-style: chr1-215674726-A-T. GRCh37 (hg19) VCF-style: chr1-215848068-A-T.
Other names: short protein forms N4395K.
Identifiers: ClinVar variation 2105875 (VCV002105875.4), dbSNP rs2464896627, ClinGen allele CA344846257.